The following is an entry in ClinVar:

ClinVar aggregate classification (germline): Uncertain significance (1 of 4 stars; one submission).

Conditions:
Achondrogenesis, type IB (ACG1B). Also called: Achondrogenesis Type 1B. Identifiers: Orphanet 932, Orphanet 93298, MedGen C0265274, MONDO:0010966, OMIM 600972.
Diastrophic dysplasia (DTD). Also called: Diastrophic dwarfism. Identifiers: Orphanet 628, MedGen C0220726, MONDO:0009107, OMIM 222600.
Multiple epiphyseal dysplasia type 4 (EDM4). Also called: MULTIPLE EPIPHYSEAL DYSPLASIA WITH BILAYERED PATELLAE; MULTIPLE EPIPHYSEAL DYSPLASIA WITH CLUBFOOT; MULTIPLE EPIPHYSEAL DYSPLASIA, AUTOSOMAL RECESSIVE; SLC26A2-Related Multiple Epiphyseal Dysplasia; Multiple Epiphyseal Dysplasia, Recessive. Identifiers: Orphanet 93307, MedGen C1847593, MONDO:0009189, OMIM 226900.
Atelosteogenesis type II (AO2). Also called: NEONATAL OSSEOUS DYSPLASIA I; Neonatal osseous dysplasia 1; SLC26A2-Related Atelosteogenesis. Identifiers: Orphanet 56304, MedGen C1850554, MONDO:0009727, OMIM 256050.

Allele frequency attached by ClinVar (database versions not stated): gnomAD exomes 0.00001 and 0.00004; TOPMed 0.00002; ExAC 0.00003; gnomAD 0.00004.

Submission:

Labcorp Genetics (formerly Invitae), Labcorp
Classification: Uncertain significance for Atelosteogenesis type II; Multiple epiphyseal dysplasia type 4; Achondrogenesis, type IB; Diastrophic dysplasia. Last evaluated: 2021-12-08. Review status: criteria provided, single submitter. Criteria: Invitae Variant Classification Sherloc (09022015). Collection method: clinical testing. Allele origin: germline.
Comment: This sequence change replaces histidine, which is basic and polar, with arginine, which is basic and polar, at codon 189 of the SLC26A2 protein (p.His189Arg). This variant is present in population databases (rs775447660, gnomAD 0.004%). This variant has not been reported in the literature in individuals affected with SLC26A2-related conditions. Advanced modeling of protein sequence and biophysical properties (such as structural, functional, and spatial information, amino acid conservation, physicochemical variation, residue mobility, and thermodynamic stability) performed at Invitae indicates that this missense variant is not expected to disrupt SLC26A2 protein function. In summary, the available evidence is currently insufficient to determine the role of this variant in disease. Therefore, it has been classified as a Variant of Uncertain Significance.

NM_000112.4(SLC26A2):c.566A>G (p.His189Arg)

Gene: SLC26A2 (solute carrier family 26 member 2; plus strand). Cytogenetic location: 5q32.
Variant type: single nucleotide variant.
Coding change: c.566A>G on transcript NM_000112.4 (MANE Select); coding-DNA position 566, A replaced by G.
Protein change: p.His189Arg; replaces histidine 189 with arginine.
Molecular consequence: missense variant.
Genome position (GRCh38, 1-based): chr5:149,978,218, A>G. VCF-style: chr5-149978218-A-G. GRCh37 (hg19) VCF-style: chr5-149357781-A-G.
Other names: short protein forms H189R.
Identifiers: ClinVar variation 1360364 (VCV001360364.3), dbSNP rs775447660, ClinGen allele CA3505276.